The following is an entry in ClinVar:

NM_001164508.2(NEB):c.24237_24238dup (p.Thr8080fs)

Genes: NEB (nebulin; minus strand), RIF1 (replication timing regulatory factor 1; plus strand). Cytogenetic location: 2q23.3.
Variant type: Duplication.
Coding change: c.24237_24238dup on transcript NM_001164508.2 (MANE Select); coding-DNA positions 24237 to 24238, 2 bases duplicated (AA; older notation c.24237_24238dupAA).
Protein change: p.Thr8080fs; shifts the reading frame from threonine 8080.
Molecular consequence: frameshift variant. On other transcripts: intron variant (1).
Genome position (GRCh38, 1-based): chr2:151,497,688-151,497,689, TT duplicated on the plus strand (AA on the coding strand, the reverse complement: NEB is on the minus strand). VCF-style (leftmost placement, unchanged base first): chr2-151497687-G-GTT. GRCh37 (hg19) VCF-style: chr2-152354201-G-GTT.
Other names: c.24237_24238dup, p.Thr8080fs (NM_001164507.2); c.24342_24343dup, p.Thr8115fs (NM_001271208.2); c.18826-1321_18826-1320dup (NM_004543.5); short protein forms T8080fs, T8115fs.
Identifiers: ClinVar variation 4855564 (VCV004855564.1).
Genomic context (GRCh38, chr2:151,497,687, plus strand): 5'-GAGCTAATATTTTCTTGATTGTGTTTGACTCTTTCCATCTCGGGAGTGACAGGTAAAGGG[G>GTT]TTCCCTTGCCCATGTTTTCTTTGTATAACACCTGTGCGATAAGAAAGCATCCAGAAAAAC-3'

ClinVar aggregate classification (germline): Likely pathogenic (1 of 4 stars; one submission).

Conditions:
Nemaline myopathy 2 (NEM2). Also called: Nemaline myopathy 2, autosomal recessive. Identifiers: MedGen C1850569, MONDO:0009725, OMIM 256030.

Submission:

3billion
Classification: Likely pathogenic for Nemaline myopathy 2. Last evaluated: 2025-09-18. Review status: criteria provided, single submitter. Criteria: ACMG Guidelines, 2015. Collection method: clinical testing. Allele origin: germline. Affected: yes.
Comment: The variant is not observed in the gnomAD v4.1.0 dataset. Predicted Consequence/Location: Frameshift: predicted to result in a loss or disruption of normal protein function through nonsense-mediated decay (NMD) or protein truncation. Multiple pathogenic variants are reported downstream of the variant. Therefore, this variant is classified as Likely pathogenic according to the recommendation of ACMG/AMP guideline.